The following is an entry in ClinVar:

ClinVar aggregate classification (germline): Conflicting classifications of pathogenicity. Review status: criteria provided, conflicting classifications (1 of 4 stars). 3 submissions from 3 submitters: Uncertain significance (1); Likely benign (1). 1 of the submissions does not count toward it. Last evaluated 2025-06-12.

Conditions:
FOXC2-related disorder. Also called: FOXC2-related condition.
Inborn genetic diseases. Identifiers: MedGen C0950123, MeSH D030342.

Allele frequency attached by ClinVar (database versions not stated): gnomAD exomes 0.00021; ExAC 0.00022; ESP Exome Variant Server 0.00052; gnomAD 0.00075; TOPMed 0.00080; 1000 Genomes Project 0.00120; 1000 Genomes Project 30x 0.00125.

Submissions (3):

Labcorp Genetics (formerly Invitae), Labcorp
Classification: Likely benign. Last evaluated: 2025-06-12. Review status: criteria provided, single submitter. Criteria: Invitae Variant Classification Sherloc (09022015). Collection method: clinical testing. Allele origin: germline.

Ambry Genetics
Classification: Uncertain significance for Inborn genetic diseases. Last evaluated: 2025-04-04. Review status: criteria provided, single submitter. Criteria: Ambry Variant Classification Scheme 2023. Collection method: clinical testing. Allele origin: germline.

PreventionGenetics, part of Exact Sciences
Classification: Likely benign for FOXC2-related condition. Last evaluated: 2020-02-14. Review status: no assertion criteria provided. Collection method: clinical testing. Allele origin: germline. Not counted in ClinVar's aggregate classification.
Comment: This variant is classified as likely benign based on ACMG/AMP sequence variant interpretation guidelines (Richards et al. 2015 PMID: 25741868, with internal and published modifications).

NM_005251.3(FOXC2):c.566C>A (p.Ala189Glu)

Gene: FOXC2 (forkhead box C2; plus strand). Cytogenetic location: 16q24.1.
Variant type: single nucleotide variant.
Coding change: c.566C>A on transcript NM_005251.3 (MANE Select); coding-DNA position 566, C replaced by A.
Protein change: p.Ala189Glu; replaces alanine 189 with glutamic acid.
Molecular consequence: missense variant.
Genome position (GRCh38, 1-based): chr16:86,567,901, C>A. VCF-style: chr16-86567901-C-A. GRCh37 (hg19) VCF-style: chr16-86601507-C-A.
Other names: short protein forms A189E.
Identifiers: ClinVar variation 789387 (VCV000789387.11), dbSNP rs200483763, ClinGen allele CA8218356.